The following is an entry in ClinVar:

ClinVar aggregate classification (germline): Uncertain significance (1 of 4 stars; one submission).

Conditions:
Carnitine palmitoyltransferase II deficiency. Also called: Carnitine Palmitoyltransferase 2 Deficiency. Identifiers: Orphanet 157, MedGen C0342790, MONDO:0015515.

Allele frequency attached by ClinVar (database versions not stated): TOPMed below 0.00001; gnomAD 0.00001; gnomAD exomes 0.00001.

Submission:

Labcorp Genetics (formerly Invitae), Labcorp
Classification: Uncertain significance for Carnitine palmitoyltransferase II deficiency. Last evaluated: 2022-02-19. Review status: criteria provided, single submitter. Criteria: Invitae Variant Classification Sherloc (09022015). Collection method: clinical testing. Allele origin: germline.
Comment: This sequence change replaces valine, which is neutral and non-polar, with aspartic acid, which is acidic and polar, at codon 446 of the CPT2 protein (p.Val446Asp). This variant is present in population databases (no rsID available, gnomAD 0.0009%). This variant has not been reported in the literature in individuals affected with CPT2-related conditions. Advanced modeling of protein sequence and biophysical properties (such as structural, functional, and spatial information, amino acid conservation, physicochemical variation, residue mobility, and thermodynamic stability) performed at Invitae indicates that this missense variant is not expected to disrupt CPT2 protein function. In summary, the available evidence is currently insufficient to determine the role of this variant in disease. Therefore, it has been classified as a Variant of Uncertain Significance.

NM_000098.3(CPT2):c.1337T>A (p.Val446Asp)

Gene: CPT2 (carnitine palmitoyltransferase 2; plus strand). Cytogenetic location: 1p32.3.
Variant type: single nucleotide variant.
Coding change: c.1337T>A on transcript NM_000098.3 (MANE Select); coding-DNA position 1337, T replaced by A.
Protein change: p.Val446Asp; replaces valine 446 with aspartic acid.
Molecular consequence: missense variant.
Genome position (GRCh38, 1-based): chr1:53,211,011, T>A. VCF-style: chr1-53211011-T-A. GRCh37 (hg19) VCF-style: chr1-53676683-T-A.
Other names: c.1337T>A, p.Val446Asp (NM_001330589.2); short protein forms V446D.
Identifiers: ClinVar variation 2157708 (VCV002157708.1), dbSNP rs1262026832, ClinGen allele CA340395143.